The following is an entry in ClinVar:

NM_001458.5(FLNC):c.4427C>T (p.Pro1476Leu)

Gene: FLNC (filamin C; plus strand). Cytogenetic location: 7q32.1.
Variant type: single nucleotide variant.
Coding change: c.4427C>T on transcript NM_001458.5 (MANE Select); coding-DNA position 4427, C replaced by T.
Protein change: p.Pro1476Leu; replaces proline 1476 with leucine.
Molecular consequence: missense variant.
Genome position (GRCh38, 1-based): chr7:128,847,835, C>T. VCF-style: chr7-128847835-C-T. GRCh37 (hg19) VCF-style: chr7-128487889-C-T.
Other names: c.4427C>T, p.Pro1476Leu (NM_001127487.2); short protein forms P1476L.
Identifiers: ClinVar variation 3759112 (VCV003759112.2).

ClinVar aggregate classification (germline): Uncertain significance (1 of 4 stars; one submission).

Conditions:
Distal myopathy with posterior leg and anterior hand involvement. Also called: WILLIAMS DISTAL MYOPATHY. Identifiers: Orphanet 63273, MedGen C3279722, MONDO:0013550, OMIM 614065.
Hypertrophic cardiomyopathy 26. Also called: Cardiomyopathy, familial hypertrophic, 26. Identifiers: Orphanet 75249, MedGen C4310749, MONDO:0014883, OMIM 617047.
Myofibrillar myopathy 5. Also called: Filaminopathy (type); FILAMINOPATHY, AUTOSOMAL DOMINANT. Identifiers: Orphanet 171445, MedGen C1836050, MONDO:0012289, OMIM 609524.

gnomAD v4.1: 2 of 1,613,660 alleles (0.00012%); highest among the groups gnomAD compares: Non-Finnish European, 0.00017%; no homozygotes.

Submission:

Labcorp Genetics (formerly Invitae), Labcorp
Classification: Uncertain significance for Distal myopathy with posterior leg and anterior hand involvement; Myofibrillar myopathy 5; Hypertrophic cardiomyopathy 26. Last evaluated: 2025-11-18. Review status: criteria provided, single submitter. Criteria: Invitae Variant Classification Sherloc (09022015). Collection method: clinical testing. Allele origin: germline.
Comment: This sequence change replaces proline, which is neutral and non-polar, with leucine, which is neutral and non-polar, at codon 1476 of the FLNC protein (p.Pro1476Leu). This variant is not present in population databases (gnomAD no frequency). This variant has not been reported in the literature in individuals affected with FLNC-related conditions. ClinVar contains an entry for this variant (Variation ID: 3759112). Invitae Evidence Modeling of protein sequence and biophysical properties (such as structural, functional, and spatial information, amino acid conservation, physicochemical variation, residue mobility, and thermodynamic stability) has been performed for this missense variant. However, the output from this modeling did not meet the statistical confidence thresholds required to predict the impact of this variant on FLNC protein function. In summary, the available evidence is currently insufficient to determine the role of this variant in disease. Therefore, it has been classified as a Variant of Uncertain Significance.